The following is an entry in ClinVar:

ClinVar aggregate classification (germline): Conflicting classifications of pathogenicity. Review status: criteria provided, conflicting classifications (1 of 4 stars). 4 submissions from 4 submitters: Uncertain significance (1); Likely benign (3). Last evaluated 2023-11-13.

Conditions:
Inborn genetic diseases. Identifiers: MedGen C0950123, MeSH D030342.

Allele frequency attached by ClinVar (database versions not stated): gnomAD 0.00006; gnomAD exomes 0.00009 and 0.00011; ExAC 0.00011.
gnomAD v4.1: 141 of 1,614,102 alleles (0.0087%); highest among the groups gnomAD compares: Middle Eastern, 0.016%; no homozygotes.

Submissions (4):

Blueprint Genetics
Classification: Likely benign. Last evaluated: 2023-11-13. Review status: criteria provided, single submitter. Criteria: ACMG Guidelines, 2015. Collection method: clinical testing. Allele origin: germline.

CeGaT Center for Human Genetics Tuebingen
Classification: Likely benign. Last evaluated: 2023-07-01. Review status: criteria provided, single submitter. Criteria: CeGaT Center For Human Genetics Tuebingen Variant Classification Criteria Version 2. Collection method: clinical testing. Allele origin: germline. Affected: yes. Observed: 2 variant alleles.
Comment: HECW2: BP4

Ambry Genetics
Classification: Likely benign for Inborn genetic diseases. Last evaluated: 2023-05-18. Review status: criteria provided, single submitter. Criteria: Ambry Variant Classification Scheme 2023. Collection method: clinical testing. Allele origin: germline.

Laboratorio de Genetica e Diagnostico Molecular, Hospital Israelita Albert Einstein
Classification: Uncertain significance. Last evaluated: 2020-05-21. Review status: criteria provided, single submitter. Criteria: ACMG Guidelines, 2015. Collection method: clinical testing. Allele origin: germline. Affected: yes.
Comment: ACMG classification criteria: PM2, BP4

NM_001348768.2(HECW2):c.1240G>C (p.Asp414His)

Gene: HECW2 (HECT, C2 and WW domain containing E3 ubiquitin protein ligase 2; minus strand). Cytogenetic location: 2q32.3.
Variant type: single nucleotide variant.
Coding change: c.1240G>C on transcript NM_001348768.2 (MANE Select); coding-DNA position 1240, G replaced by C.
Protein change: p.Asp414His; replaces aspartic acid 414 with histidine.
Molecular consequence: missense variant.
Genome position (GRCh38, 1-based): chr2:196,319,650, C>G on the plus strand (G>C on the coding strand, the complement: HECW2 is on the minus strand). VCF-style: chr2-196319650-C-G. GRCh37 (hg19) VCF-style: chr2-197184374-C-G.
Other names: c.172G>C, p.Asp58His (NM_001304840.3); c.1240G>C, p.Asp414His (NM_020760.4); c.1240G>C (NM_020760.1); short protein forms D414H, D58H.
Identifiers: ClinVar variation 1675832 (VCV001675832.38), dbSNP rs764436402, ClinGen allele CA2038362.